The following is an entry in ClinVar:

NM_182931.3(KMT2E):c.1508A>G (p.Asp503Gly)

Gene: KMT2E (lysine methyltransferase 2E (inactive); plus strand). Cytogenetic location: 7q22.3.
Variant type: single nucleotide variant.
Coding change: c.1508A>G on transcript NM_182931.3 (MANE Select); coding-DNA position 1508, A replaced by G.
Protein change: p.Asp503Gly; replaces aspartic acid 503 with glycine.
Molecular consequence: missense variant.
Genome position (GRCh38, 1-based): chr7:105,090,158, A>G. VCF-style: chr7-105090158-A-G. GRCh37 (hg19) VCF-style: chr7-104730605-A-G.
Other names: c.1508A>G, p.Asp503Gly (NM_001410908.1, NM_018682.4); short protein forms D503G.
Identifiers: ClinVar variation 3352268 (VCV003352268.3).

ClinVar aggregate classification (germline): Uncertain significance. Review status: criteria provided, multiple submitters, no conflicts (2 of 4 stars). 3 submissions from 3 submitters: Uncertain significance (2). 1 of the submissions does not count toward it. Last evaluated 2026-02-25.

Conditions:
KMT2E-related disorder. Also called: KMT2E-related condition.
Inborn genetic diseases. Identifiers: MedGen C0950123, MeSH D030342.

gnomAD v4.1: 3 of 1,613,212 alleles (0.00019%); highest among the groups gnomAD compares: African/African-American, 0.0013%; no homozygotes.

Submissions (3):

Ambry Genetics
Classification: Uncertain significance for Inborn genetic diseases. Last evaluated: 2026-02-25. Review status: criteria provided, single submitter. Criteria: Ambry Variant Classification Scheme 2023. Collection method: clinical testing. Allele origin: germline.

Women's Health and Genetics/Laboratory Corporation of America, LabCorp
Classification: Uncertain significance. Last evaluated: 2024-12-12. Review status: criteria provided, single submitter. Criteria: LabCorp Variant Classification Summary - May 2015. Collection method: clinical testing. Allele origin: germline.
Comment: Variant summary: KMT2E c.1508A>G (p.Asp503Gly) results in a non-conservative amino acid change in the encoded protein sequence. Three of five in-silico tools predict a damaging effect of the variant on protein function. The variant was absent in 250540 control chromosomes. The available data on variant occurrences in the general population are insufficient to allow any conclusion about variant significance. To our knowledge, no occurrence of c.1508A>G in individuals affected with O'Donnell-Luria-Rodan Syndrome and no experimental evidence demonstrating its impact on protein function have been reported. ClinVar contains an entry for this variant (Variation ID: 3352268). Based on the evidence outlined above, the variant was classified as uncertain significance.

PreventionGenetics, part of Exact Sciences
Classification: Uncertain significance for KMT2E-related condition. Last evaluated: 2024-06-26. Review status: no assertion criteria provided. Collection method: clinical testing. Allele origin: germline. Not counted in ClinVar's aggregate classification.
Comment: The KMT2E c.1508A>G variant is predicted to result in the amino acid substitution p.Asp503Gly. To our knowledge, this variant has not been reported in the literature or in a large population database, indicating it is rare. At this time, the clinical significance of this variant is uncertain due to the absence of conclusive functional and genetic evidence.